The following is an entry in ClinVar:

NM_198999.3(SLC26A5):c.570+6G>A

Gene: SLC26A5 (solute carrier family 26 member 5; minus strand). Cytogenetic location: 7q22.1.
Variant type: single nucleotide variant.
Coding change: c.570+6G>A on transcript NM_198999.3 (MANE Select); 6 bases into the intron after coding-DNA position 570, G replaced by A.
Molecular consequence: intron variant.
Genome position (GRCh38, 1-based): chr7:103,411,414, C>T on the plus strand (G>A on the coding strand, the complement: SLC26A5 is on the minus strand). VCF-style: chr7-103411414-C-T. GRCh37 (hg19) VCF-style: chr7-103051861-C-T.
Other names: c.570+6G>A (NM_206885.3, NM_001321787.2, NM_206884.3 and 2 more transcripts).
Identifiers: ClinVar variation 178633 (VCV000178633.16), dbSNP rs113889101, ClinGen allele CA182704.

ClinVar aggregate classification (germline): Benign. Review status: criteria provided, multiple submitters, no conflicts (2 of 4 stars). 4 submissions from 4 submitters: Benign (4). Last evaluated 2026-01-27.

Allele frequency attached by ClinVar (database versions not stated): gnomAD exomes 0.00609; ExAC 0.00766; 1000 Genomes Project 0.02177; gnomAD 0.02425 and 0.02621; 1000 Genomes Project 30x 0.02483; ESP Exome Variant Server 0.02722; TOPMed 0.02772.
gnomAD v4.1: 7,247 of 1,614,006 alleles (0.45%); highest among the groups gnomAD compares: African/African-American, 8.5%; 268 homozygotes.

Submissions (4):

Labcorp Genetics (formerly Invitae), Labcorp
Classification: Benign. Last evaluated: 2026-01-27. Review status: criteria provided, single submitter. Criteria: Invitae Variant Classification Sherloc (09022015). Collection method: clinical testing. Allele origin: germline.

GeneDx
Classification: Benign. Last evaluated: 2017-10-05. Review status: criteria provided, single submitter. Criteria: GeneDx Variant Classification (06012015). Collection method: clinical testing. Allele origin: germline. Affected: yes.
Comment: This variant is considered likely benign or benign based on one or more of the following criteria: it is a conservative change, it occurs at a poorly conserved position in the protein, it is predicted to be benign by multiple in silico algorithms, and/or has population frequency not consistent with disease.

Laboratory for Molecular Medicine, Mass General Brigham Personalized Medicine
Classification: Benign. Last evaluated: 2012-05-07. Review status: criteria provided, single submitter. Criteria: LMM Criteria. Collection method: clinical testing. Allele origin: germline. Observed: 3 variant alleles.
Comment: 570+6G>A in Intron 06 of SLC26A5: This variant is not expected to have clinical significance because it has been identified in 8.2% (307/3738) of African Americ an chromosomes from a broad population by the NHLBI Exome Sequencing Project (dbSNP rs113889101).

Breakthrough Genomics
Classification: Benign. Review status: criteria provided, single submitter. Criteria: ACMG Guidelines, 2015. Collection method: not provided. Allele origin: germline. Inheritance: Autosomal recessive inheritance. Affected: yes.